The following is an entry in ClinVar:

ClinVar aggregate classification (germline): Uncertain significance (1 of 4 stars; one submission).

gnomAD v4.1: 88 of 1,613,888 alleles (0.0055%); highest among the groups gnomAD compares: South Asian, 0.0099%; 1 homozygote.

Submission:

Labcorp Genetics (formerly Invitae), Labcorp
Classification: Uncertain significance. Last evaluated: 2025-11-24. Review status: criteria provided, single submitter. Criteria: Invitae Variant Classification Sherloc (09022015). Collection method: clinical testing. Allele origin: germline.
Comment: This sequence change replaces glutamic acid, which is acidic and polar, with glycine, which is neutral and non-polar, at codon 938 of the FAT1 protein (p.Glu938Gly). This variant is present in population databases (rs761917608, gnomAD 0.02%), including at least one homozygous and/or hemizygous individual. This missense change has been observed in individual(s) with clinical features of FAT1-related conditions (PMID: 26489027). Invitae Evidence Modeling of protein sequence and biophysical properties (such as structural, functional, and spatial information, amino acid conservation, physicochemical variation, residue mobility, and thermodynamic stability) indicates that this missense variant is not expected to disrupt FAT1 protein function with a negative predictive value of 80%. In summary, the available evidence is currently insufficient to determine the role of this variant in disease. Therefore, it has been classified as a Variant of Uncertain Significance.

Literature cited by the submitters: PubMed 26489027.

NM_005245.4(FAT1):c.2813A>G (p.Glu938Gly)

Gene: FAT1 (FAT atypical cadherin 1; minus strand). Cytogenetic location: 4q35.2.
Variant type: single nucleotide variant.
Coding change: c.2813A>G on transcript NM_005245.4 (MANE Select); coding-DNA position 2813, A replaced by G.
Protein change: p.Glu938Gly; replaces glutamic acid 938 with glycine.
Molecular consequence: missense variant.
Genome position (GRCh38, 1-based): chr4:186,707,015, T>C on the plus strand (A>G on the coding strand, the complement: FAT1 is on the minus strand). VCF-style: chr4-186707015-T-C. GRCh37 (hg19) VCF-style: chr4-187628169-T-C.
Other names: c.2813A>G, p.Glu938Gly (NM_001440455.1, NM_001440456.1, NM_001440457.1); short protein forms E938G.
Identifiers: ClinVar variation 4807544 (VCV004807544.1).